The following is an entry in ClinVar:

ClinVar aggregate classification (germline): Likely pathogenic (1 of 4 stars; one submission).

Conditions:
Mucopolysaccharidosis, MPS-IV-B (MPS4B). Also called: Mucopolysaccharidosis type IV B; Mucopolysaccharidosis Type IVB; Mucopolysaccharidosis type 4B; Mucopolysaccharidosis type IVB (Morquio); MPS IVB; MORQUIO SYNDROME B. Identifiers: Orphanet 309310, Orphanet 582, MedGen C0086652, MONDO:0009660, OMIM 253010.
GM1 gangliosidosis. Identifiers: Orphanet 354, MedGen C0085131, MONDO:0018149.

gnomAD v4.1: 23 of 1,613,962 alleles (0.0014%); highest among the groups gnomAD compares: Non-Finnish European, 0.0019%; no homozygotes.

Submission:

Labcorp Genetics (formerly Invitae), Labcorp
Classification: Likely pathogenic for Mucopolysaccharidosis, MPS-IV-B; GM1 gangliosidosis. Last evaluated: 2020-10-20. Review status: criteria provided, single submitter. Criteria: Invitae Variant Classification Sherloc (09022015). Collection method: clinical testing. Allele origin: germline.
Comment: In summary, the currently available evidence indicates that the variant is pathogenic, but additional data are needed to prove that conclusively. Therefore, this variant has been classified as Likely Pathogenic. This variant disrupts the p.Arg68 amino acid residue in GLB1. Other variant(s) that disrupt this residue have been determined to be pathogenic (PMID: 12644936, 25936995). This suggests that this residue is clinically significant, and that variants that disrupt this residue are likely to be disease-causing. Advanced modeling of protein sequence and biophysical properties (such as structural, functional, and spatial information, amino acid conservation, physicochemical variation, residue mobility, and thermodynamic stability) performed at Invitae indicates that this missense variant is expected to disrupt GLB1 protein function. This variant has not been reported in the literature in individuals with GLB1-related conditions. This variant is not present in population databases (ExAC no frequency). This sequence change replaces arginine with glycine at codon 68 of the GLB1 protein (p.Arg68Gly). The arginine residue is highly conserved and there is a moderate physicochemical difference between arginine and glycine.

Literature cited by the submitters: PubMed 12644936; PubMed 25936995.

NM_000404.4(GLB1):c.202C>G (p.Arg68Gly)

Gene: GLB1 (galactosidase beta 1; minus strand). Cytogenetic location: 3p22.3.
Variant type: single nucleotide variant.
Coding change: c.202C>G on transcript NM_000404.4 (MANE Select); coding-DNA position 202, C replaced by G.
Protein change: p.Arg68Gly; replaces arginine 68 with glycine.
Molecular consequence: missense variant.
Genome position (GRCh38, 1-based): chr3:33,072,587, G>C on the plus strand (C>G on the coding strand, the complement: GLB1 is on the minus strand). VCF-style: chr3-33072587-G-C. GRCh37 (hg19) VCF-style: chr3-33114079-G-C.
Other names: c.112C>G, p.Arg38Gly (NM_001079811.3); c.202C>G, p.Arg68Gly (NM_001135602.3); c.346C>G, p.Arg116Gly (NM_001317040.2); short protein forms R116G, R38G, R68G.
Identifiers: ClinVar variation 1068202 (VCV001068202.5), dbSNP rs72555370, ClinGen allele CA351996450.